The following is an entry in ClinVar:

ClinVar aggregate classification (germline): Likely pathogenic. Review status: criteria provided, single submitter (1 of 4 stars). 2 submissions from 2 submitters: Likely pathogenic (1). 1 of the submissions does not count toward it. Last evaluated 2021-10-12.

Conditions:
Ehlers-Danlos syndrome, type 4 (EDSVASC). Also called: Ehlers-Danlos syndrome vascular type; Ehlers Danlos syndrome, ecchymotic type; Ehlers Danlos syndrome, arterial type; Ehlers Danlos syndrome, Sack-Barabas type; Ehlers-Danlos Syndrome Type IV. Identifiers: Orphanet 286, MedGen C0268338, MONDO:0017314, OMIM 130050.

Submissions (2):

Labcorp Genetics (formerly Invitae), Labcorp
Classification: Likely pathogenic for Ehlers-Danlos syndrome, type 4. Last evaluated: 2021-10-12. Review status: criteria provided, single submitter. Criteria: Invitae Variant Classification Sherloc (09022015). Collection method: clinical testing. Allele origin: germline.
Comment: This sequence change affects an acceptor splice site in intron 26 of the COL3A1 gene. It is expected to disrupt RNA splicing. Variants that disrupt the donor or acceptor splice site typically lead to a loss of protein function (PMID: 16199547), and loss-of-function variants in COL3A1 are known to be pathogenic (PMID: 24922459). This variant is not present in population databases (ExAC no frequency). Disruption of this splice site has been observed in individual(s) with vascular Ehlers Danlos syndrome (PMID: 24922459; Invitae). ClinVar contains an entry for this variant (Variation ID: 101286). Algorithms developed to predict the effect of sequence changes on RNA splicing suggest that this variant may disrupt the consensus splice site. In summary, the currently available evidence indicates that the variant is pathogenic, but additional data are needed to prove that conclusively. Therefore, this variant has been classified as Likely Pathogenic.

Collagen Diagnostic Laboratory, University of Washington
Classification: Pathogenic for Ehlers-Danlos syndrome, type 4. Review status: no assertion criteria provided. Collection method: clinical testing. Allele origin: germline. Affected: yes. Not counted in ClinVar's aggregate classification.

Literature cited by the submitters: PubMed 16199547 (cited by Labcorp Genetics (formerly Invitae), Labcorp); PubMed 24922459 (cited by Labcorp Genetics (formerly Invitae), Labcorp); PubMed 10706896 (cited by Collagen Diagnostic Laboratory, University of Washington).

NM_000090.4(COL3A1):c.1870-2A>T

Gene: COL3A1 (collagen type III alpha 1 chain; plus strand). Cytogenetic location: 2q32.2.
Variant type: single nucleotide variant.
Coding change: c.1870-2A>T on transcript NM_000090.4 (MANE Select); the canonical splice acceptor site of the intron before coding-DNA position 1870, A replaced by T.
Molecular consequence: splice acceptor variant.
Genome position (GRCh38, 1-based): chr2:188,997,698, A>T. VCF-style: chr2-188997698-A-T. GRCh37 (hg19) VCF-style: chr2-189862424-A-T.
Identifiers: ClinVar variation 101286 (VCV000101286.8), dbSNP rs587779575, ClinGen allele CA004684.